The following is an entry in ClinVar:

ClinVar aggregate classification (germline): Uncertain significance (1 of 4 stars; one submission).

Conditions:
Neurodevelopmental disorder with dysmorphic facies and thin corpus callosum. Identifiers: MedGen C5551361, MONDO:0859179, OMIM 619480.

Submission:

Foundation for Research in Genetics and Endocrinology, FRIGE's Institute of Human Genetics
Classification: Uncertain significance for Neurodevelopmental disorder with dysmorphic facies and thin corpus callosum. Last evaluated: 2026-08-22. Review status: criteria provided, single submitter. Criteria: ACMG Guidelines, 2015. Collection method: clinical testing. Allele origin: germline. Inheritance: Autosomal dominant inheritance. Affected: yes. Observed: 1 variant allele, 1 heterozygote.
Comment: A heterozygous variant in exon 14 of the SUPT16H gene (chr14:g.21362819G>A) that results in the amino acid substitution of Isoleucine for Threonine at codon 547 (p.Thr547Ile) was detected. The variant has not been reported in the 1000 genomes, gnomAD (v3.1) and topmed databases and has a minor allele frequency of 0.000% in the gnomAD (v2.1) databases respectively. The in-silico predictions of the variant are damaging by SIFT and LRT. The reference codon is conserved across species. In summary, the variant meets our criteria to be classified as variant of uncertain significance.

NM_007192.4(SUPT16H):c.1640C>T (p.Thr547Ile)

Gene: SUPT16H (SPT16 homolog, facilitates chromatin remodeling subunit; minus strand). Cytogenetic location: 14q11.2.
Variant type: single nucleotide variant.
Coding change: c.1640C>T on transcript NM_007192.4 (MANE Select); coding-DNA position 1640, C replaced by T.
Protein change: p.Thr547Ile; replaces threonine 547 with isoleucine.
Molecular consequence: missense variant.
Genome position (GRCh38, 1-based): chr14:21,362,819, G>A on the plus strand (C>T on the coding strand, the complement: SUPT16H is on the minus strand). VCF-style: chr14-21362819-G-A. GRCh37 (hg19) VCF-style: chr14-21830978-G-A.
Other names: p.Thr547Ile; short protein forms T547I.
Identifiers: ClinVar variation 5021456 (VCV005021456.1).